The following is an entry in ClinVar:

NM_017868.4(TTC12):c.1446+2T>C

Gene: TTC12 (tetratricopeptide repeat domain 12; plus strand). Cytogenetic location: 11q23.2.
Variant type: single nucleotide variant.
Coding change: c.1446+2T>C on transcript NM_017868.4 (MANE Select); the canonical splice donor site of the intron after coding-DNA position 1446, T replaced by C.
Molecular consequence: splice donor variant.
Genome position (GRCh38, 1-based): chr11:113,352,209, T>C. VCF-style: chr11-113352209-T-C. GRCh37 (hg19) VCF-style: chr11-113222931-T-C.
Other names: NC_000011.9:g.113222931T>C; c.1446+2T>C (NM_001378064.1, NM_001378065.1); c.1464+2T>C (NM_001318533.2); c.1449+2T>C (NM_001378063.1); c.1371+2T>C (NM_001352037.2).
Identifiers: ClinVar variation 3034669 (VCV003034669.5), dbSNP rs77534773, ClinGen allele CA6280166.

ClinVar aggregate classification (germline): Benign. Review status: criteria provided, single submitter (1 of 4 stars). 2 submissions from 2 submitters: Benign (1). 1 of the submissions does not count toward it. Last evaluated 2026-04-01.

Conditions:
TTC12-related disorder. Also called: TTC12-related condition.

Allele frequency attached by ClinVar (database versions not stated): ESP Exome Variant Server 0.00015; gnomAD 0.00153; TOPMed 0.00250; ExAC 0.00325; 1000 Genomes Project 0.00479; 1000 Genomes Project 30x 0.00500.
gnomAD v4.1: 1,903 of 1,614,150 alleles (0.12%); highest among the groups gnomAD compares: Admixed American, 1.6%; 16 homozygotes.

Submissions (15):

CeGaT Center for Human Genetics Tuebingen
Classification: Benign. Last evaluated: 2026-04-01. Review status: criteria provided, single submitter. Criteria: CeGaT Center For Human Genetics Tuebingen Variant Classification Criteria Version 2. Collection method: clinical testing. Allele origin: germline. Affected: yes. Observed: 1 variant allele.
Comment: TTC12: BS1, BS2

PreventionGenetics, part of Exact Sciences
Classification: Likely benign for TTC12-related condition. Last evaluated: 2021-01-18. Review status: no assertion criteria provided. Collection method: clinical testing. Allele origin: germline. Not counted in ClinVar's aggregate classification.
Comment: This variant is classified as likely benign based on ACMG/AMP sequence variant interpretation guidelines (Richards et al. 2015 PMID: 25741868, with internal and published modifications).

Dr. Peter K. Rogan Lab, Western University
No classification provided (evidence only). Condition: Papillary renal cell carcinoma type 1. Review status: no classification provided. Collection method: in vitro. Allele origin: not applicable. Functional consequence: skipped exon. Not counted in ClinVar's aggregate classification.

Dr. Peter K. Rogan Lab, Western University
No classification provided (evidence only). Condition: Familial cancer of breast. Review status: no classification provided. Collection method: in vitro. Allele origin: not applicable. Functional consequence: skipped exon. Not counted in ClinVar's aggregate classification.

Dr. Peter K. Rogan Lab, Western University
No classification provided (evidence only). Condition: Thyroid cancer, nonmedullary, 1. Review status: no classification provided. Collection method: in vitro. Allele origin: not applicable. Functional consequence: skipped exon. Not counted in ClinVar's aggregate classification.

Dr. Peter K. Rogan Lab, Western University
No classification provided (evidence only). Condition: Cervical cancer. Review status: no classification provided. Collection method: in vitro. Allele origin: not applicable. Functional consequence: skipped exon. Not counted in ClinVar's aggregate classification.

Dr. Peter K. Rogan Lab, Western University
No classification provided (evidence only). Condition: Sarcoma. Review status: no classification provided. Collection method: in vitro. Allele origin: not applicable. Functional consequence: skipped exon. Not counted in ClinVar's aggregate classification.

Dr. Peter K. Rogan Lab, Western University
No classification provided (evidence only). Condition: Hepatocellular carcinoma. Review status: no classification provided. Collection method: in vitro. Allele origin: not applicable. Functional consequence: skipped exon. Not counted in ClinVar's aggregate classification.

Dr. Peter K. Rogan Lab, Western University
No classification provided (evidence only). Condition: Hepatocellular carcinoma. Review status: no classification provided. Collection method: in vitro. Allele origin: not applicable. Functional consequence: skipped exon. Not counted in ClinVar's aggregate classification.

Dr. Peter K. Rogan Lab, Western University
No classification provided (evidence only). Condition: Hepatocellular carcinoma. Review status: no classification provided. Collection method: in vitro. Allele origin: not applicable. Functional consequence: skipped exon. Not counted in ClinVar's aggregate classification.

Dr. Peter K. Rogan Lab, Western University
No classification provided (evidence only). Condition: Hepatocellular carcinoma. Review status: no classification provided. Collection method: in vitro. Allele origin: not applicable. Functional consequence: skipped exon. Not counted in ClinVar's aggregate classification.

Dr. Peter K. Rogan Lab, Western University
No classification provided (evidence only). Condition: Hepatocellular carcinoma. Review status: no classification provided. Collection method: in vitro. Allele origin: not applicable. Functional consequence: skipped exon. Not counted in ClinVar's aggregate classification.

Dr. Peter K. Rogan Lab, Western University
No classification provided (evidence only). Condition: Hepatocellular carcinoma. Review status: no classification provided. Collection method: in vitro. Allele origin: not applicable. Functional consequence: skipped exon. Not counted in ClinVar's aggregate classification.

Dr. Peter K. Rogan Lab, Western University
No classification provided (evidence only). Condition: Hepatocellular carcinoma. Review status: no classification provided. Collection method: in vitro. Allele origin: not applicable. Functional consequence: skipped exon. Not counted in ClinVar's aggregate classification.

Dr. Peter K. Rogan Lab, Western University
No classification provided (evidence only). Condition: Malignant tumor of esophagus. Review status: no classification provided. Collection method: in vitro. Allele origin: not applicable. Functional consequence: skipped exon. Not counted in ClinVar's aggregate classification.